The following continues an entry in ClinVar:

NM_000492.4(CFTR):c.4056G>C (p.Gln1352His)

Gene: CFTR. ClinVar aggregate classification (germline): Conflicting classifications of pathogenicity. Pathogenic (2); Likely pathogenic (2); Uncertain significance (14); Benign (1); Likely benign (3).

Submissions 20 to 24 of 24:

Illumina Laboratory Services, Illumina
Classification: Likely benign for CFTR-Related Disorders. Last evaluated: 2017-04-27. Review status: criteria provided, single submitter. Criteria: ICSL Variant Classification Criteria 13 December 2019. Collection method: clinical testing. Allele origin: germline.
Comment: This variant was observed as part of a predisposition screen in an ostensibly healthy population. A literature search was performed for the gene, cDNA change, and amino acid change (where applicable). Publications were found based on this search. The evidence from the literature, in combination with allele frequency data from public databases where available, was sufficient to determine this variant is unlikely to cause disease. Therefore, this variant is classified as likely benign.

Soonchunhyang University Bucheon Hospital, Soonchunhyang University Medical Center
Classification: Uncertain significance for Cystic fibrosis. Last evaluated: 2016-03-18. Review status: criteria provided, single submitter. Criteria: ACMG Guidelines, 2015. Collection method: reference population. Allele origin: germline. Observed: 6 variant alleles.

Juno Genomics, Hangzhou Juno Genomics, Inc
Classification: Uncertain significance for Bronchiectasis with or without elevated sweat chloride 1; Hereditary pancreatitis; Congenital bilateral aplasia of vas deferens from CFTR mutation; Cystic fibrosis. Review status: criteria provided, single submitter. Criteria: ACMG Guidelines, 2015. Collection method: clinical testing. Allele origin: germline.
Comment: Well-established in vitro or in vivo functional studies supportive of a damaging effect on the gene or gene product.;For recessive disorders, detected in trans with a pathogenic variant.;Patient's phenotype or family history is highly specific for a disease with a single genetic etiology.

Genome Diagnostics Laboratory, The Hospital for Sick Children
Classification: Likely pathogenic for CFTR-related disorders. Last evaluated: 2021-05-12. Review status: no assertion criteria provided. Collection method: clinical testing. Allele origin: germline. Not counted in ClinVar's aggregate classification.

OMIM
Classification: Pathogenic for CYSTIC FIBROSIS. Last evaluated: 2003-09-15. Review status: no assertion criteria provided. Collection method: literature only. Allele origin: germline. Not counted in ClinVar's aggregate classification.

Literature cited by the submitters: PubMed 17719933 (cited by Dasa); PubMed 20021716 (cited by 3 submitters); PubMed 26089335 (cited by 3 submitters); PubMed 27578509 (cited by Dasa and Quest Diagnostics Nichols Institute San Juan Capistrano); PubMed 28608624 (cited by 3 submitters); PubMed 30811104 (cited by 4 submitters); PubMed 32025909 (cited by Dasa); PubMed 12952861 (cited by 8 submitters); PubMed 15121783 (cited by 5 submitters); PubMed 16678503 (cited by 4 submitters); PubMed 33663443 (cited by Quest Diagnostics Nichols Institute San Juan Capistrano and Women's Health and Genetics/Laboratory Corporation of America, LabCorp); PubMed 32352720 (cited by Quest Diagnostics Nichols Institute San Juan Capistrano and Ambry Genetics); PubMed 31682332 (cited by Quest Diagnostics Nichols Institute San Juan Capistrano and Women's Health and Genetics/Laboratory Corporation of America, LabCorp); PubMed 31180159 (cited by Quest Diagnostics Nichols Institute San Juan Capistrano and Women's Health and Genetics/Laboratory Corporation of America, LabCorp); PubMed 29997923 (cited by Quest Diagnostics Nichols Institute San Juan Capistrano and Women's Health and Genetics/Laboratory Corporation of America, LabCorp); PubMed 29520692 (cited by 3 submitters); PubMed 28603918 (cited by Quest Diagnostics Nichols Institute San Juan Capistrano and Women's Health and Genetics/Laboratory Corporation of America, LabCorp); PubMed 26708955 (cited by Quest Diagnostics Nichols Institute San Juan Capistrano and Illumina Laboratory Services, Illumina); PubMed 26199320 (cited by Quest Diagnostics Nichols Institute San Juan Capistrano and Illumina Laboratory Services, Illumina); PubMed 17003641 (cited by 3 submitters); PubMed 16596947 (cited by 3 submitters); PubMed 20558957 (cited by 3 submitters); PubMed 36604502 (cited by Quest Diagnostics Nichols Institute San Juan Capistrano); PubMed 31136843 (cited by Quest Diagnostics Nichols Institute San Juan Capistrano); PubMed 34557648 (cited by Quest Diagnostics Nichols Institute San Juan Capistrano); PubMed 34673937 (cited by Quest Diagnostics Nichols Institute San Juan Capistrano); PubMed 35119551 (cited by Quest Diagnostics Nichols Institute San Juan Capistrano); PubMed 35313924 (cited by Quest Diagnostics Nichols Institute San Juan Capistrano); PubMed 35913788 (cited by Quest Diagnostics Nichols Institute San Juan Capistrano); PubMed 36335097 (cited by Quest Diagnostics Nichols Institute San Juan Capistrano and Women's Health and Genetics/Laboratory Corporation of America, LabCorp); PubMed 36409994 (cited by Quest Diagnostics Nichols Institute San Juan Capistrano and Mayo Clinic Laboratories, Mayo Clinic); PubMed 36207272 (cited by Quest Diagnostics Nichols Institute San Juan Capistrano); PubMed 33502066 (cited by Quest Diagnostics Nichols Institute San Juan Capistrano); PubMed 35753512 (cited by Quest Diagnostics Nichols Institute San Juan Capistrano and Mayo Clinic Laboratories, Mayo Clinic); PubMed 17329263 (cited by 3 submitters); PubMed 15463840 (cited by 4 submitters); PubMed 9272157 (cited by 4 submitters); PubMed 16187186 (cited by 4 submitters); PubMed 21520337 (cited by Quest Diagnostics Nichols Institute San Juan Capistrano and Women's Health and Genetics/Laboratory Corporation of America, LabCorp); PubMed 25492507 (cited by 4 submitters); PubMed 23514810 (cited by Quest Diagnostics Nichols Institute San Juan Capistrano and Johns Hopkins Genomics, Johns Hopkins University); PubMed 22483971 (cited by Quest Diagnostics Nichols Institute San Juan Capistrano and Women's Health and Genetics/Laboratory Corporation of America, LabCorp); PubMed 21779199 (cited by Quest Diagnostics Nichols Institute San Juan Capistrano); PubMed 20233062 (cited by Quest Diagnostics Nichols Institute San Juan Capistrano and Women's Health and Genetics/Laboratory Corporation of America, LabCorp); PubMed 18304229 (cited by Quest Diagnostics Nichols Institute San Juan Capistrano); PubMed 17539902 (cited by 3 submitters); PubMed 16435054 (cited by Quest Diagnostics Nichols Institute San Juan Capistrano); PubMed 28687971 (cited by Quest Diagnostics Nichols Institute San Juan Capistrano); PubMed 32777524 (cited by 3 submitters); PubMed 32734384 (cited by Quest Diagnostics Nichols Institute San Juan Capistrano); PubMed 33374015 (cited by Quest Diagnostics Nichols Institute San Juan Capistrano and Women's Health and Genetics/Laboratory Corporation of America, LabCorp); PubMed 29216686 (cited by Quest Diagnostics Nichols Institute San Juan Capistrano and Ambry Genetics); PubMed 30992994 (cited by Quest Diagnostics Nichols Institute San Juan Capistrano and Ambry Genetics); PubMed 38388235 (cited by Quest Diagnostics Nichols Institute San Juan Capistrano and Women's Health and Genetics/Laboratory Corporation of America, LabCorp); PubMed 36437957 (cited by Quest Diagnostics Nichols Institute San Juan Capistrano and Mayo Clinic Laboratories, Mayo Clinic); PubMed 26334177 (cited by Quest Diagnostics Nichols Institute San Juan Capistrano and Illumina Laboratory Services, Illumina); PubMed 19812525 (cited by 3 submitters); PubMed 39107787 (cited by Quest Diagnostics Nichols Institute San Juan Capistrano); PubMed 34931337 (cited by Quest Diagnostics Nichols Institute San Juan Capistrano); PubMed 36983403 (cited by Quest Diagnostics Nichols Institute San Juan Capistrano); PubMed 37313453 (cited by Quest Diagnostics Nichols Institute San Juan Capistrano); PubMed 39402445 (cited by Quest Diagnostics Nichols Institute San Juan Capistrano); PubMed 40122225 (cited by Quest Diagnostics Nichols Institute San Juan Capistrano).